The following is an entry in ClinVar:

NM_002417.5(MKI67):c.8227A>C (p.Thr2743Pro)

Gene: MKI67 (marker of proliferation Ki-67; minus strand). Cytogenetic location: 10q26.2.
Variant type: single nucleotide variant.
Coding change: c.8227A>C on transcript NM_002417.5 (MANE Select); coding-DNA position 8227, A replaced by C.
Protein change: p.Thr2743Pro; replaces threonine 2743 with proline.
Molecular consequence: missense variant.
Genome position (GRCh38, 1-based): chr10:128,103,613, T>G on the plus strand (A>C on the coding strand, the complement: MKI67 is on the minus strand). VCF-style: chr10-128103613-T-G. GRCh37 (hg19) VCF-style: chr10-129901877-T-G.
Other names: c.7147A>C, p.Thr2383Pro (NM_001145966.2); short protein forms T2383P, T2743P.
Identifiers: ClinVar variation 4989109 (VCV004989109.1).

ClinVar aggregate classification (germline): Likely benign (1 of 4 stars; one submission).

Conditions:
MKI67-related disorder. Also called: MKI67-related condition.

gnomAD v4.1: 945 of 1,614,234 alleles (0.059%); highest among the groups gnomAD compares: Admixed American, 0.18%; no homozygotes.

Submission:

PreventionGenetics, part of Exact Sciences
Classification: Likely benign for MKI67-related condition. Last evaluated: 2026-03-06. Review status: criteria provided, single submitter. Criteria: ACMG Guidelines, 2015. Collection method: clinical testing. Allele origin: germline.
Comment: This variant is classified as likely benign based on ACMG/AMP sequence variant interpretation guidelines (Richards et al. 2015 PMID: 25741868, with internal and published modifications).